The following is an entry in ClinVar:

NM_000548.5(TSC2):c.4138C>A (p.Gln1380Lys)

Gene: TSC2 (TSC complex subunit 2; plus strand). Cytogenetic location: 16p13.3.
Variant type: single nucleotide variant.
Coding change: c.4138C>A on transcript NM_000548.5 (MANE Select); coding-DNA position 4138, C replaced by A.
Protein change: p.Gln1380Lys; replaces glutamine 1380 with lysine.
Molecular consequence: missense variant.
Genome position (GRCh38, 1-based): chr16:2,084,360, C>A. VCF-style: chr16-2084360-C-A. GRCh37 (hg19) VCF-style: chr16-2134361-C-A.
Other names: c.3937C>A, p.Gln1313Lys (NM_001077183.3); c.4069C>A, p.Gln1357Lys (NM_001114382.3); c.3829C>A, p.Gln1277Lys (NM_001318827.2); c.3793C>A, p.Gln1265Lys (NM_001318829.2); c.3406C>A, p.Gln1136Lys (NM_001318831.2); c.3970C>A, p.Gln1324Lys (NM_001318832.2); c.3940C>A, p.Gln1314Lys (NM_001363528.2); c.4006C>A, p.Gln1336Lys (NM_001370404.1); and 1 more; short protein forms Q1277K, Q1136K, Q1265K, Q1313K, Q1314K, Q1324K, Q1380K, Q1337K.
Identifiers: ClinVar variation 1039315 (VCV001039315.12), dbSNP rs137854045, ClinGen allele CA394299622.

ClinVar aggregate classification (germline): Conflicting classifications of pathogenicity. Review status: criteria provided, conflicting classifications (1 of 4 stars). 3 submissions from 3 submitters: Uncertain significance (2); Benign (1). Last evaluated 2023-11-27.

Conditions:
Tuberous sclerosis 2 (TSC2). Identifiers: Orphanet 805, MedGen C1860707, MONDO:0013199, OMIM 613254.

Allele frequency attached by ClinVar (database versions not stated): gnomAD exomes below 0.00001.
gnomAD v4.1: 2 of 1,612,648 alleles (0.00012%); highest among the groups gnomAD compares: Admixed American, 0.0017%; no homozygotes.

Submissions (3):

Labcorp Genetics (formerly Invitae), Labcorp
Classification: Benign for Tuberous sclerosis 2. Last evaluated: 2023-11-27. Review status: criteria provided, single submitter. Criteria: Invitae Variant Classification Sherloc (09022015). Collection method: clinical testing. Allele origin: germline.

Genome-Nilou Lab
Classification: Uncertain significance for Tuberous sclerosis 2. Last evaluated: 2021-11-07. Review status: criteria provided, single submitter. Criteria: ACMG Guidelines, 2015. Collection method: clinical testing. Allele origin: germline. Affected: no.

GeneDx
Classification: Uncertain significance. Last evaluated: 2019-06-28. Review status: criteria provided, single submitter. Criteria: GeneDx Variant Classification Process June 2021. Collection method: clinical testing. Allele origin: germline. Affected: yes.
Comment: In silico analysis, which includes protein predictors and evolutionary conservation, supports that this variant does not alter protein structure/function; Has not been previously published as pathogenic or benign to our knowledge